The following is an entry in ClinVar:

NM_000540.3(RYR1):c.9791C>T (p.Thr3264Ile)

Gene: RYR1 (ryanodine receptor 1; plus strand). Cytogenetic location: 19q13.2.
Variant type: single nucleotide variant.
Coding change: c.9791C>T on transcript NM_000540.3 (MANE Select); coding-DNA position 9791, C replaced by T.
Protein change: p.Thr3264Ile; replaces threonine 3264 with isoleucine.
Molecular consequence: missense variant.
Genome position (GRCh38, 1-based): chr19:38,517,464, C>T. VCF-style: chr19-38517464-C-T. GRCh37 (hg19) VCF-style: chr19-39008104-C-T.
Other names: c.9791C>T, p.Thr3264Ile (NM_001042723.2); short protein forms T3264I.
Identifiers: ClinVar variation 2800474 (VCV002800474.3), dbSNP rs2514433018, ClinGen allele CA405692038.

ClinVar aggregate classification (germline): Uncertain significance (1 of 4 stars; one submission).

Conditions:
RYR1-related disorder. Also called: RYR1-related condition; RYR1-related disorders. Identifiers: MedGen CN239331.

Submission:

Labcorp Genetics (formerly Invitae), Labcorp
Classification: Uncertain significance for RYR1-related disorder. Last evaluated: 2025-09-02. Review status: criteria provided, single submitter. Criteria: Invitae Variant Classification Sherloc (09022015). Collection method: clinical testing. Allele origin: germline.
Comment: This sequence change replaces threonine, which is neutral and polar, with isoleucine, which is neutral and non-polar, at codon 3264 of the RYR1 protein (p.Thr3264Ile). This variant is not present in population databases (gnomAD no frequency). This variant has not been reported in the literature in individuals affected with RYR1-related conditions. ClinVar contains an entry for this variant (Variation ID: 2800474). Invitae Evidence Modeling of protein sequence and biophysical properties (such as structural, functional, and spatial information, amino acid conservation, physicochemical variation, residue mobility, and thermodynamic stability) indicates that this missense variant is not expected to disrupt RYR1 protein function with a negative predictive value of 80%. In summary, the available evidence is currently insufficient to determine the role of this variant in disease. Therefore, it has been classified as a Variant of Uncertain Significance.